The following is an entry in ClinVar:

ClinVar aggregate classification (germline): Likely benign. Review status: reviewed by expert panel (3 of 4 stars). 2 submissions from 2 submitters: Likely benign (1). 1 of the submissions does not count toward it. Last evaluated 2025-01-15.

Conditions:
Hereditary thrombocytopenia and hematological cancer predisposition syndrome associated with RUNX1. Also called: RUNX1 Familial Platelet Disorder with Associated Myeloid Malignancies; Familial Platelet Disorder with Propensity to Acute Myelogenous Leukemia; Familial thrombocytopenia with propensity to acute myelogenous leukemia; PLATELET DISORDER, ASPIRIN-LIKE. Identifiers: Orphanet 71290, MedGen C1832388, MeSH C563324, MONDO:0100083, OMIM 601399.

Submissions (2):

ClinGen Myeloid Malignancy Variant Curation Expert Panel
Classification: Likely benign for Hereditary thrombocytopenia and hematological cancer predisposition syndrome associated with RUNX1. Last evaluated: 2025-01-15. Review status: reviewed by expert panel. Criteria: ClinGen MyeloMalig ACMG Specifications v2. Collection method: curation. Allele origin: germline. Inheritance: Autosomal dominant inheritance.
Comment: NM_001754.5(RUNX1):c.508+14C>G is an intronic variant which has a SpliceAI ∆ score ≤ 0.20 and a phyloP100 score of 1.617 (BP4, BP7). This variant is completely absent from all population databases with at least 20x coverage for RUNX1 (PM2_supporting). In summary, this variant meets criteria to be classified as likely benign. ACMG/AMP criteria applied, as specified by the Myeloid Malignancy Variant Curation Expert Panel for RUNX1: PM2_supporting, BP4, BP7.

Labcorp Genetics (formerly Invitae), Labcorp
Classification: Likely benign for Hereditary thrombocytopenia and hematological cancer predisposition syndrome associated with RUNX1. Last evaluated: 2024-06-13. Review status: criteria provided, single submitter. Criteria: Invitae Variant Classification Sherloc (09022015). Collection method: clinical testing. Allele origin: germline. Not counted in ClinVar's aggregate classification.

NM_001754.5(RUNX1):c.508+14C>G

Genes: RUNX1-AS1 (RUNX1 antisense RNA 1; plus strand), RUNX1 (RUNX family transcription factor 1; minus strand). Cytogenetic location: 21q22.12.
Variant type: single nucleotide variant.
Coding change: c.508+14C>G on transcript NM_001754.5 (MANE Select); 14 bases into the intron after coding-DNA position 508, C replaced by G.
Molecular consequence: intron variant.
Genome position (GRCh38, 1-based): chr21:34,880,543, G>C on the plus strand (C>G on the coding strand, the complement: RUNX1 is on the minus strand). VCF-style: chr21-34880543-G-C. GRCh37 (hg19) VCF-style: chr21-36252840-G-C.
Other names: c.427+14C>G (NM_001001890.3, NM_001122607.2).
Identifiers: ClinVar variation 1563454 (VCV001563454.9), dbSNP rs2146359868, ClinGen allele CA2573157350.